The following is an entry in ClinVar:

ClinVar aggregate classification (germline): Conflicting classifications of pathogenicity. Review status: criteria provided, conflicting classifications (1 of 4 stars). 4 submissions from 4 submitters: Uncertain significance (3); Likely benign (1). Last evaluated 2026-01-27.

Conditions:
Rhabdoid tumor predisposition syndrome 2 (RTPS2). Identifiers: Orphanet 231108, Orphanet 69077, MedGen C2750074, MONDO:0013224, OMIM 613325.

Allele frequency attached by ClinVar (database versions not stated): gnomAD exomes 0.00001; gnomAD 0.00003.
gnomAD v4.1: 29 of 1,547,728 alleles (0.0019%); highest among the groups gnomAD compares: Non-Finnish European, 0.0024%; no homozygotes.

Submissions (4):

Labcorp Genetics (formerly Invitae), Labcorp
Classification: Likely benign for Rhabdoid tumor predisposition syndrome 2. Last evaluated: 2026-01-27. Review status: criteria provided, single submitter. Criteria: Invitae Variant Classification Sherloc (09022015). Collection method: clinical testing. Allele origin: germline.

Baylor Genetics
Classification: Uncertain significance for Rhabdoid tumor predisposition syndrome 2. Last evaluated: 2023-08-21. Review status: criteria provided, single submitter. Criteria: ACMG Guidelines, 2015. Collection method: clinical testing. Allele origin: unknown.

ARUP Laboratories, Molecular Genetics and Genomics, ARUP Laboratories
Classification: Uncertain significance. Last evaluated: 2022-03-09. Review status: criteria provided, single submitter. Criteria: ARUP Molecular Germline Variant Investigation Process 2021. Collection method: clinical testing. Allele origin: germline.
Comment: The SMARCA4 c.3952-13C>A variant (rs374611879), to our knowledge, is not reported in the medical literature but is reported in ClinVar (Variation ID: 1310787). This variant is only observed on one allele in the Genome Aggregation Database, indicating it is not a common polymorphism. This is an intronic variant in a weakly conserved nucleotide, but computational analyses (Alamut v.2.11) predict that this variant may impact splicing by weakening the nearby canonical acceptor splice site. However, without functional studies the effect on splicing is unknown. Due to limited information, the clinical significance of this variant is uncertain at this time.

GeneDx
Classification: Uncertain significance. Last evaluated: 2019-08-28. Review status: criteria provided, single submitter. Criteria: GeneDx Variant Classification Process June 2021. Collection method: clinical testing. Allele origin: germline. Affected: yes.
Comment: Has not been previously published as pathogenic or benign to our knowledge; In-silico analysis, which includes splice predictors and evolutionary conservation, is inconclusive as to whether the variant alters gene splicing. In the absence of RNA/functional studies, the actual effect of this sequence change is unknown.

NM_003072.5(SMARCA4):c.3952-13C>A

Gene: SMARCA4 (SWI/SNF related BAF chromatin remodeling complex subunit ATPase 4; plus strand). Cytogenetic location: 19p13.2.
Variant type: single nucleotide variant.
Coding change: c.3952-13C>A on transcript NM_003072.5 (MANE Select); 13 bases into the intron before coding-DNA position 3952, C replaced by A.
Molecular consequence: intron variant.
Genome position (GRCh38, 1-based): chr19:11,034,901, C>A. VCF-style: chr19-11034901-C-A. GRCh37 (hg19) VCF-style: chr19-11145577-C-A.
Other names: c.3952-13C>A (NM_001128844.3, NM_001128849.3, NM_001387283.1); c.3853-13C>A (NM_001128847.4, NM_001374457.1, NM_001128845.2 and 2 more transcripts).
Identifiers: ClinVar variation 1310787 (VCV001310787.12), dbSNP rs374611879, ClinGen allele CA305291430.
Genomic context (GRCh38, chr19:11,034,901, plus strand): 5'-TCGGTGTTCTGGCTCTAGCGTGCCCCTGGTGCCTGCATGCTGATGCCTCTCCCGTTGCCT[C>A]CCTGCCCACCAGCGCATGGACCTGGACCGCAGGCGCGAGGAGGCCCGCAACCCCAAGCGG-3'